The following is an entry in ClinVar:

NM_003324.5(TULP3):c.135G>T (p.Glu45Asp)

Gene: TULP3 (TUB like protein 3; plus strand). Cytogenetic location: 12p13.33.
Variant type: single nucleotide variant.
Coding change: c.135G>T on transcript NM_003324.5 (MANE Select); coding-DNA position 135, G replaced by T.
Protein change: p.Glu45Asp; replaces glutamic acid 45 with aspartic acid.
Molecular consequence: missense variant.
Genome position (GRCh38, 1-based): chr12:2,920,804, G>T. VCF-style: chr12-2920804-G-T. GRCh37 (hg19) VCF-style: chr12-3029970-G-T.
Other names: c.135G>T, p.Glu45Asp (NM_001160408.2); short protein forms E45D.
Identifiers: ClinVar variation 2324291 (VCV002324291.7), dbSNP rs761973948, ClinGen allele CA6392489.

ClinVar aggregate classification (germline): Uncertain significance. Review status: criteria provided, multiple submitters, no conflicts (2 of 4 stars). 2 submissions from 2 submitters: Uncertain significance (2). Last evaluated 2026-03-01.

Conditions:
Inborn genetic diseases. Identifiers: MedGen C0950123, MeSH D030342.

Allele frequency attached by ClinVar (database versions not stated): ExAC 0.00003; gnomAD 0.00003; gnomAD exomes 0.00008.
gnomAD v4.1: 130 of 1,614,022 alleles (0.0081%); highest among the groups gnomAD compares: Non-Finnish European, 0.01%; no homozygotes.

Submissions (2):

CeGaT Center for Human Genetics Tuebingen
Classification: Uncertain significance. Last evaluated: 2026-03-01. Review status: criteria provided, single submitter. Criteria: CeGaT Center For Human Genetics Tuebingen Variant Classification Criteria Version 2. Collection method: clinical testing. Allele origin: germline. Affected: yes. Observed: 1 variant allele.
Comment: TULP3: PM2

Ambry Genetics
Classification: Uncertain significance for Inborn genetic diseases. Last evaluated: 2024-04-09. Review status: criteria provided, single submitter. Criteria: Ambry Variant Classification Scheme 2023. Collection method: clinical testing. Allele origin: germline.